The following is an entry in ClinVar:

NM_001282933.2(ZNF341):c.1730G>T (p.Cys577Phe)

Gene: ZNF341 (zinc finger protein 341; plus strand). Cytogenetic location: 20q11.22.
Variant type: single nucleotide variant.
Coding change: c.1730G>T on transcript NM_001282933.2 (MANE Select); coding-DNA position 1730, G replaced by T.
Protein change: p.Cys577Phe; replaces cysteine 577 with phenylalanine.
Molecular consequence: missense variant. On other transcripts: non-coding transcript variant (1).
Genome position (GRCh38, 1-based): chr20:33,783,742, G>T. VCF-style: chr20-33783742-G-T. GRCh37 (hg19) VCF-style: chr20-32371548-G-T.
Other names: c.1460G>T, p.Cys487Phe (NM_001282935.2); c.1709G>T, p.Cys570Phe (NM_032819.5); c.1709G>T (NM_032819.3); short protein forms C487F, C570F, C577F.
Identifiers: ClinVar variation 2056963 (VCV002056963.3), dbSNP rs778714727, ClinGen allele CA9819540.

ClinVar aggregate classification (germline): Uncertain significance. Review status: criteria provided, multiple submitters, no conflicts (2 of 4 stars). 2 submissions from 2 submitters: Uncertain significance (2). Last evaluated 2025-01-24.

Allele frequency attached by ClinVar (database versions not stated): ExAC 0.00002; gnomAD 0.00003.
gnomAD v4.1: 54 of 1,613,738 alleles (0.0033%); highest among the groups gnomAD compares: Non-Finnish European, 0.0043%; no homozygotes.

Submissions (2):

Ambry Genetics
Classification: Uncertain significance. Last evaluated: 2025-01-24. Review status: criteria provided, single submitter. Criteria: Ambry Variant Classification Scheme 2023. Collection method: clinical testing. Allele origin: germline.

Labcorp Genetics (formerly Invitae), Labcorp
Classification: Uncertain significance. Last evaluated: 2023-08-30. Review status: criteria provided, single submitter. Criteria: Invitae Variant Classification Sherloc (09022015). Collection method: clinical testing. Allele origin: germline.
Comment: In summary, the available evidence is currently insufficient to determine the role of this variant in disease. Therefore, it has been classified as a Variant of Uncertain Significance. An algorithm developed to predict the effect of missense changes on protein structure and function (PolyPhen-2) suggests that this variant is likely to be disruptive. ClinVar contains an entry for this variant (Variation ID: 2056963). This variant has not been reported in the literature in individuals affected with ZNF341-related conditions. This variant is present in population databases (rs778714727, gnomAD 0.006%). This sequence change replaces cysteine, which is neutral and slightly polar, with phenylalanine, which is neutral and non-polar, at codon 570 of the ZNF341 protein (p.Cys570Phe).